The following is an entry in ClinVar:

NM_058216.3(RAD51C):c.423T>G (p.Asp141Glu)

Gene: RAD51C (RAD51 paralog C; plus strand). Cytogenetic location: 17q22.
Variant type: single nucleotide variant.
Coding change: c.423T>G on transcript NM_058216.3 (MANE Select); coding-DNA position 423, T replaced by G.
Protein change: p.Asp141Glu; replaces aspartic acid 141 with glutamic acid.
Molecular consequence: missense variant.
Genome position (GRCh38, 1-based): chr17:58,696,711, T>G. VCF-style: chr17-58696711-T-G. GRCh37 (hg19) VCF-style: chr17-56774072-T-G.
Other names: short protein forms D141E.
Identifiers: ClinVar variation 862393 (VCV000862393.9), dbSNP rs2048022400, ClinGen allele CA400343904.

ClinVar aggregate classification (germline): Uncertain significance (1 of 4 stars; one submission).

Conditions:
Fanconi anemia complementation group O. Also called: RAD51C-Related Fanconi Anemia. Identifiers: Orphanet 84, MedGen C3150653, MONDO:0013248, OMIM 613390.

Submission:

Labcorp Genetics (formerly Invitae), Labcorp
Classification: Uncertain significance for Fanconi anemia complementation group O. Last evaluated: 2022-04-22. Review status: criteria provided, single submitter. Criteria: Invitae Variant Classification Sherloc (09022015). Collection method: clinical testing. Allele origin: germline.
Comment: This sequence change replaces aspartic acid, which is acidic and polar, with glutamic acid, which is acidic and polar, at codon 141 of the RAD51C protein (p.Asp141Glu). This variant is not present in population databases (gnomAD no frequency). This variant has not been reported in the literature in individuals affected with RAD51C-related conditions. ClinVar contains an entry for this variant (Variation ID: 862393). Advanced modeling of protein sequence and biophysical properties (such as structural, functional, and spatial information, amino acid conservation, physicochemical variation, residue mobility, and thermodynamic stability) performed at Invitae indicates that this missense variant is expected to disrupt RAD51C protein function. In summary, the available evidence is currently insufficient to determine the role of this variant in disease. Therefore, it has been classified as a Variant of Uncertain Significance.